The following is an entry in ClinVar:

ClinVar aggregate classification (germline): Pathogenic (1 of 4 stars; one submission).

Submission:

Labcorp Genetics (formerly Invitae), Labcorp
Classification: Pathogenic. Last evaluated: 2022-03-17. Review status: criteria provided, single submitter. Criteria: Invitae Variant Classification Sherloc (09022015). Collection method: clinical testing. Allele origin: germline.
Comment: This sequence change creates a premature translational stop signal (p.His141Profs*23) in the AGBL5 gene. It is expected to result in an absent or disrupted protein product. Loss-of-function variants in AGBL5 are known to be pathogenic (PMID: 27764769, 27842159). This variant is not present in population databases (gnomAD no frequency). This variant has not been reported in the literature in individuals affected with AGBL5-related conditions. For these reasons, this variant has been classified as Pathogenic.

Literature cited by the submitters: PubMed 27764769; PubMed 27842159.

NM_021831.6(AGBL5):c.421dup (p.His141fs)

Gene: AGBL5 (AGBL carboxypeptidase 5; plus strand). Cytogenetic location: 2p23.3.
Variant type: Duplication.
Coding change: c.421dup on transcript NM_021831.6 (MANE Select); coding-DNA position 421, one base duplicated (C; older notation c.421dupC).
Protein change: p.His141fs; shifts the reading frame from histidine 141.
Molecular consequence: frameshift variant. On other transcripts: non-coding transcript variant (2).
Genome position (GRCh38, 1-based): chr2:27,053,929, C duplicated. VCF-style (leftmost placement, unchanged base first): chr2-27053928-T-TC. GRCh37 (hg19) VCF-style: chr2-27276796-T-TC.
Other names: c.421dup, p.His141Profs (NM_001035506.1); c.421dup, p.His141fs (NM_001035507.3); short protein forms H141fs.
Identifiers: ClinVar variation 2061231 (VCV002061231.4), dbSNP rs2465441808, ClinGen allele CA2580066200.